The following is an entry in ClinVar:

NM_024408.4(NOTCH2):c.6817G>C (p.Ala2273Pro)

Gene: NOTCH2 (notch receptor 2; minus strand). Cytogenetic location: 1p12.
Variant type: single nucleotide variant.
Coding change: c.6817G>C on transcript NM_024408.4 (MANE Select); coding-DNA position 6817, G replaced by C.
Protein change: p.Ala2273Pro; replaces alanine 2273 with proline.
Molecular consequence: missense variant.
Genome position (GRCh38, 1-based): chr1:119,915,905, C>G on the plus strand (G>C on the coding strand, the complement: NOTCH2 is on the minus strand). VCF-style: chr1-119915905-C-G. GRCh37 (hg19) VCF-style: chr1-120458528-C-G.
Other names: c.6817G>C (NM_024408.3); short protein forms A2273P.
Identifiers: ClinVar variation 2070405 (VCV002070405.5), dbSNP rs761134514, ClinGen allele CA1039372.

ClinVar aggregate classification (germline): Uncertain significance. Review status: criteria provided, single submitter (1 of 4 stars). 2 submissions from 2 submitters: Uncertain significance (1). 1 of the submissions does not count toward it. Last evaluated 2025-04-03.

Conditions:
Hajdu-Cheney syndrome (HJCYS). Also called: SERPENTINE FIBULA-POLYCYSTIC KIDNEY SYNDROME; ACROOSTEOLYSIS WITH OSTEOPOROSIS AND CHANGES IN SKULL AND MANDIBLE; Acroosteolysis dominant type. Identifiers: Orphanet 955, MedGen C0917715, MONDO:0007057, OMIM 102500.
NOTCH2-related disorder. Also called: NOTCH2-related condition.

Allele frequency attached by ClinVar (database versions not stated): TOPMed below 0.00001.
gnomAD v4.1: 2 of 1,614,162 alleles (0.00012%); highest among the groups gnomAD compares: African/African-American, 0.0013%; no homozygotes.

Submissions (2):

Labcorp Genetics (formerly Invitae), Labcorp
Classification: Uncertain significance for Hajdu-Cheney syndrome. Last evaluated: 2025-04-03. Review status: criteria provided, single submitter. Criteria: Invitae Variant Classification Sherloc (09022015). Collection method: clinical testing. Allele origin: germline.
Comment: This sequence change replaces alanine, which is neutral and non-polar, with proline, which is neutral and non-polar, at codon 2273 of the NOTCH2 protein (p.Ala2273Pro). This variant is present in population databases (rs761134514, gnomAD 0.0009%). This variant has not been reported in the literature in individuals affected with NOTCH2-related conditions. ClinVar contains an entry for this variant (Variation ID: 2070405). Invitae Evidence Modeling of protein sequence and biophysical properties (such as structural, functional, and spatial information, amino acid conservation, physicochemical variation, residue mobility, and thermodynamic stability) indicates that this missense variant is not expected to disrupt NOTCH2 protein function with a negative predictive value of 80%. In summary, the available evidence is currently insufficient to determine the role of this variant in disease. Therefore, it has been classified as a Variant of Uncertain Significance.

PreventionGenetics, part of Exact Sciences
Classification: Uncertain significance for NOTCH2-related condition. Last evaluated: 2024-04-05. Review status: no assertion criteria provided. Collection method: clinical testing. Allele origin: germline. Not counted in ClinVar's aggregate classification.
Comment: The NOTCH2 c.6817G>C variant is predicted to result in the amino acid substitution p.Ala2273Pro. To our knowledge, this variant has not been reported in the literature. This variant is reported in 0.00088% of alleles in individuals of European (Non-Finnish) descent in gnomAD. At this time, the clinical significance of this variant is uncertain due to the absence of conclusive functional and genetic evidence.